The following is an entry in ClinVar:

ClinVar aggregate classification (germline): Uncertain significance (1 of 4 stars; one submission).

Submission:

Labcorp Genetics (formerly Invitae), Labcorp
Classification: Uncertain significance. Last evaluated: 2022-11-22. Review status: criteria provided, single submitter. Criteria: Invitae Variant Classification Sherloc (09022015). Collection method: clinical testing. Allele origin: germline.
Comment: In summary, the available evidence is currently insufficient to determine the role of this variant in disease. Therefore, it has been classified as a Variant of Uncertain Significance. Advanced modeling of protein sequence and biophysical properties (such as structural, functional, and spatial information, amino acid conservation, physicochemical variation, residue mobility, and thermodynamic stability) performed at Invitae indicates that this missense variant is not expected to disrupt PROSC protein function. This variant has not been reported in the literature in individuals affected with PROSC-related conditions. This variant is not present in population databases (gnomAD no frequency). This sequence change replaces cysteine, which is neutral and slightly polar, with phenylalanine, which is neutral and non-polar, at codon 172 of the PROSC protein (p.Cys172Phe).

NM_007198.4(PLPBP):c.515G>T (p.Cys172Phe)

Gene: PLPBP (pyridoxal phosphate binding protein; plus strand). Cytogenetic location: 8p11.23.
Variant type: single nucleotide variant.
Coding change: c.515G>T on transcript NM_007198.4 (MANE Select); coding-DNA position 515, G replaced by T.
Protein change: p.Cys172Phe; replaces cysteine 172 with phenylalanine.
Molecular consequence: missense variant.
Genome position (GRCh38, 1-based): chr8:37,775,399, G>T. VCF-style: chr8-37775399-G-T. GRCh37 (hg19) VCF-style: chr8-37632917-G-T.
Other names: c.545G>T, p.Cys182Phe (NM_001349346.2); c.509G>T, p.Cys170Phe (NM_001349347.2); c.359G>T, p.Cys120Phe (NM_001349348.2); short protein forms C120F, C170F, C172F, C182F.
Identifiers: ClinVar variation 2024991 (VCV002024991.4), dbSNP rs2487391681, ClinGen allele CA370668421.
Genomic context (GRCh38, chr8:37,775,399, plus strand): 5'-GTAAACATGGCCTTCCACCTTCAGAGACCATAGCCATCGTGGAGCACATAAACGCCAAGT[G>T]TCCTAACCTGGAGTTTGTGGGGCTGATGACCATAGGAAGCTTTGGGCATGATCTTAGTCA-3'
Protein context (NP_009129.1, residues 162-182): IAIVEHINAK[Cys172Phe]PNLEFVGLMT